The following is an entry in ClinVar:

NM_000391.4(TPP1):c.139C>T (p.Leu47=)

Gene: TPP1 (tripeptidyl peptidase 1; minus strand). Cytogenetic location: 11p15.4.
Variant type: single nucleotide variant.
Coding change: c.139C>T on transcript NM_000391.4 (MANE Select); coding-DNA position 139, C replaced by T.
Protein change: p.Leu47=; no amino-acid change (leucine 47 retained).
Molecular consequence: synonymous variant.
Genome position (GRCh38, 1-based): chr11:6,618,866, G>A on the plus strand (C>T on the coding strand, the complement: TPP1 is on the minus strand). VCF-style: chr11-6618866-G-A. GRCh37 (hg19) VCF-style: chr11-6640097-G-A.
Identifiers: ClinVar variation 388374 (VCV000388374.8), dbSNP rs1057523084, ClinGen allele CA16606364.

ClinVar aggregate classification (germline): Likely benign. Review status: criteria provided, multiple submitters, no conflicts (2 of 4 stars). 2 submissions from 2 submitters: Likely benign (2). Last evaluated 2024-10-17.

Allele frequency attached by ClinVar (database versions not stated): gnomAD 0.00001.

Submissions (2):

Labcorp Genetics (formerly Invitae), Labcorp
Classification: Likely benign. Last evaluated: 2024-10-17. Review status: criteria provided, single submitter. Criteria: Invitae Variant Classification Sherloc (09022015). Collection method: clinical testing. Allele origin: germline.

GeneDx
Classification: Likely benign. Last evaluated: 2016-08-11. Review status: criteria provided, single submitter. Criteria: GeneDx Variant Classification (06012015). Collection method: clinical testing. Allele origin: germline. Affected: yes.
Comment: This variant is considered likely benign or benign based on one or more of the following criteria: it is a conservative change, it occurs at a poorly conserved position in the protein, it is predicted to be benign by multiple in silico algorithms, and/or has population frequency not consistent with disease.